The following is an entry in ClinVar:

NM_001303256.3(MORC2):c.1499-9T>C

Gene: MORC2 (MORC family CW-type zinc finger 2; minus strand). Cytogenetic location: 22q12.2.
Variant type: single nucleotide variant.
Coding change: c.1499-9T>C on transcript NM_001303256.3 (MANE Select); 9 bases into the intron before coding-DNA position 1499, T replaced by C.
Molecular consequence: intron variant.
Genome position (GRCh38, 1-based): chr22:30,937,046, A>G on the plus strand (T>C on the coding strand, the complement: MORC2 is on the minus strand). VCF-style: chr22-30937046-A-G. GRCh37 (hg19) VCF-style: chr22-31333033-A-G.
Other names: p.?; c.1499-9T>C (NM_001303257.2); c.1313-9T>C (NM_014941.3).
Identifiers: ClinVar variation 475574 (VCV000475574.21), dbSNP rs201213165, ClinGen allele CA10186930.

ClinVar aggregate classification (germline): Benign/Likely benign. Review status: criteria provided, multiple submitters, no conflicts (2 of 4 stars). 10 submissions from 9 submitters: Benign (6); Likely benign (2). 2 of the submissions do not count toward it. Last evaluated 2025-12-15.

Conditions:
MORC2-related disorder. Also called: MORC2-related condition.
Developmental delay, impaired growth, dysmorphic facies, and axonal neuropathy. Identifiers: MedGen C5436781, MONDO:0030835, OMIM 619090.
Charcot-Marie-Tooth disease axonal type 2Z. Also called: CHARCOT-MARIE-TOOTH DISEASE, AXONAL, AUTOSOMAL DOMINANT, TYPE 2Z; CHARCOT-MARIE-TOOTH NEUROPATHY, TYPE 2Z. Identifiers: Orphanet 466768, MedGen C5569025, MONDO:0014736, OMIM 616688.

Allele frequency attached by ClinVar (database versions not stated): 1000 Genomes Project 0.00020; 1000 Genomes Project 30x 0.00031; gnomAD 0.00044 and 0.00047; TOPMed 0.00046; gnomAD exomes 0.00068 and 0.00083; ExAC 0.00086; ESP Exome Variant Server 0.00100.
gnomAD v4.1: 1,250 of 1,606,302 alleles (0.078%); highest among the groups gnomAD compares: Non-Finnish European, 0.098%; no homozygotes.

Submissions (10):

Labcorp Genetics (formerly Invitae), Labcorp
Classification: Benign for Charcot-Marie-Tooth disease axonal type 2Z. Last evaluated: 2025-12-15. Review status: criteria provided, single submitter. Criteria: Invitae Variant Classification Sherloc (09022015). Collection method: clinical testing. Allele origin: germline.

PreventionGenetics, part of Exact Sciences
Classification: Likely benign for MORC2-related condition. Last evaluated: 2025-02-19. Review status: criteria provided, single submitter. Criteria: ACMG Guidelines, 2015. Collection method: clinical testing. Allele origin: germline.
Comment: This variant is classified as likely benign based on ACMG/AMP sequence variant interpretation guidelines (Richards et al. 2015 PMID: 25741868, with internal and published modifications).

Blueprint Genetics
Classification: Likely benign. Last evaluated: 2024-09-02. Review status: criteria provided, single submitter. Criteria: ACMG Guidelines, 2015. Collection method: clinical testing. Allele origin: germline.

Mayo Clinic Laboratories, Mayo Clinic
Classification: Benign. Last evaluated: 2024-04-04. Review status: criteria provided, single submitter. Criteria: ACMG Guidelines, 2015. Collection method: clinical testing. Allele origin: germline. Observed: 6 variant alleles.
Comment: BS1, BS2, BP4, BP7

Genome-Nilou Lab
Classification: Benign for Charcot-Marie-Tooth disease axonal type 2Z. Last evaluated: 2022-03-15. Review status: criteria provided, single submitter. Criteria: ACMG Guidelines, 2015. Collection method: clinical testing. Allele origin: germline. Affected: no.

Genome-Nilou Lab
Classification: Benign for Developmental delay, impaired growth, dysmorphic facies, and axonal neuropathy. Last evaluated: 2022-03-15. Review status: criteria provided, single submitter. Criteria: ACMG Guidelines, 2015. Collection method: clinical testing. Allele origin: germline. Affected: no.

GeneDx
Classification: Benign. Last evaluated: 2019-05-07. Review status: criteria provided, single submitter. Criteria: GeneDx Variant Classification Process June 2021. Collection method: clinical testing. Allele origin: germline. Affected: yes.

Breakthrough Genomics
Classification: Benign. Review status: criteria provided, single submitter. Criteria: ACMG Guidelines, 2015. Collection method: not provided. Allele origin: germline. Inheritance: Autosomal dominant inheritance. Affected: yes.

Clinical Genetics, Academic Medical Center
Classification: Likely benign. Review status: no assertion criteria provided. Collection method: clinical testing. Allele origin: germline. Affected: yes. Study: VKGL Data-share Consensus. Not counted in ClinVar's aggregate classification.

Genome Diagnostics Laboratory, University Medical Center Utrecht
Classification: Likely benign. Review status: no assertion criteria provided. Collection method: clinical testing. Allele origin: germline. Affected: yes. Study: VKGL Data-share Consensus. Not counted in ClinVar's aggregate classification.